The following is an entry in ClinVar:

ClinVar aggregate classification (germline): Uncertain significance (1 of 4 stars; one submission).

Conditions:
Short-rib thoracic dysplasia 13 with or without polydactyly (SRTD13). Identifiers: Orphanet 474, MedGen C4225378, MONDO:0014577, OMIM 616300.

gnomAD v4.1: 1 of 1,573,924 alleles (0.000064%); highest among the groups gnomAD compares: Non-Finnish European, 0.000087%; no homozygotes.

Submission:

Labcorp Genetics (formerly Invitae), Labcorp
Classification: Uncertain significance for Short-rib thoracic dysplasia 13 with or without polydactyly. Last evaluated: 2025-12-03. Review status: criteria provided, single submitter. Criteria: Invitae Variant Classification Sherloc (09022015). Collection method: clinical testing. Allele origin: germline.
Comment: This sequence change falls in intron 18 of the CEP120 gene. It does not directly change the encoded amino acid sequence of the CEP120 protein. It affects a nucleotide within the consensus splice site. This variant is not present in population databases (gnomAD no frequency). This variant has not been reported in the literature in individuals affected with CEP120-related conditions. Variants that disrupt the consensus splice site are a relatively common cause of aberrant splicing (PMID: 17576681, 9536098). Algorithms developed to predict the effect of sequence changes on RNA splicing suggest that this variant is not likely to affect RNA splicing. In summary, the available evidence is currently insufficient to determine the role of this variant in disease. Therefore, it has been classified as a Variant of Uncertain Significance.

Literature cited by the submitters: PubMed 17576681; PubMed 9536098.

NM_001375405.1(CEP120):c.2482-3T>C

Gene: CEP120 (centrosomal protein 120; minus strand). Cytogenetic location: 5q23.2.
Variant type: single nucleotide variant.
Coding change: c.2482-3T>C on transcript NM_001375405.1 (MANE Select); 3 bases into the intron before coding-DNA position 2482, T replaced by C.
Molecular consequence: intron variant.
Genome position (GRCh38, 1-based): chr5:123,364,597, A>G on the plus strand (T>C on the coding strand, the complement: CEP120 is on the minus strand). VCF-style: chr5-123364597-A-G. GRCh37 (hg19) VCF-style: chr5-122700291-A-G.
Other names: c.2404-3T>C (NM_001166226.2); c.2482-3T>C (NM_153223.4, NM_001375407.1); c.1909-3T>C (NM_001375408.1, NM_001375409.1); c.2347-3T>C (NM_001375406.1).
Identifiers: ClinVar variation 4803994 (VCV004803994.1).